The following continues an entry in ClinVar:

NM_000059.4(BRCA2):c.2138A>T (p.Gln713Leu)

Gene: BRCA2. ClinVar aggregate classification (germline): Benign/Likely benign. Benign (9); Likely benign (8).

Submissions 25 to 27 of 27:

Department of Pathology and Laboratory Medicine, Sinai Health System
Classification: Likely benign for Malignant tumor of breast. Review status: no assertion criteria provided. Collection method: clinical testing. Allele origin: unknown. Affected: yes. Observed: 2 variant alleles. Study: The Canadian Open Genetics Repository (COGR). Not counted in ClinVar's aggregate classification.
Comment: The BRCA2 p.Gln713Leu variant was identified in 51 of 1748 proband chromosomes (frequency: 0.03) from individuals or families with prostate, breast and ovarian cancer (Edwards 2003, Fackenthal 2012, Trujillano 2015). The variant was also identified in dbSNP (ID: rs55816687) as â€šÃ„ÃºWith Uncertain significance, other alleleâ€šÃ„Ã¹, Clinvitae database (conflicting interpretations of pathogenicity), the ClinVar database (classified as benign by Invitae; classified as likely benign by GeneDx, Ambry Genetics, MMGLUM, Pathway Genomics; classified as uncertain significance by CSER_CC_NCGL, SCRP, BIC), the BIC database (10x with unknown clinical importance), UMD (28x with a â€šÃ„Ãºunclassified variantâ€šÃ„Ã¹ classification) and Fanconi Anemia Mutation Database (LOVD). This variant was identified in the 1000 Genomes Project in 12 of 5000 chromosomes (frequency: 0.002), NHLBI GO Exome Sequencing Project in 19 of 4406 African American alleles, the Exome Aggregation Consortium database (August 8, 2016) in 61 of 120866 chromosomes (freq. 0.0005) in the following populations: African in 60 of 10122 chromosomes (freq. 0.006), Latino in 1 of 11476 chromosomes (freq. 0.0001), increasing the likelihood that this may be a low frequency benign variant in certain populations of origin. The p.Gln713 residue is not conserved in mammals and three out of five computational analyses (PolyPhen-2, SIFT, AlignGVGD, BLOSUM, MutationTaster) do not suggest a high likelihood of impact to the protein; however, this information is not predictive enough to rule out pathogenicity. The variant occurs outside of the splicing consensus sequence and 5 of 5 in silico or computational prediction software programs (SpliceSiteFinder, MaxEntScan, NNSPLICE, GeneSplicer, HumanSpliceFinder) predict a greater than 10% difference in splicing; loss of splicing site at a non-splice site consensus sequence. However, this information is not predictive enough to assume pathogenicity. In summary, based on the above information, the clinical significance of this variant cannot be determined with certainty at this time. This variant is classified as likely benign.

Genome Diagnostics Laboratory, University Medical Center Utrecht
Classification: Likely benign. Review status: no assertion criteria provided. Collection method: clinical testing. Allele origin: germline. Affected: yes. Study: VKGL Data-share Consensus. Not counted in ClinVar's aggregate classification.

Joint Genome Diagnostic Labs from Nijmegen and Maastricht, Radboudumc and MUMC+
Classification: Benign. Review status: no assertion criteria provided. Collection method: clinical testing. Allele origin: germline. Affected: yes. Study: VKGL Data-share Consensus. Not counted in ClinVar's aggregate classification.

Literature cited by the submitters: PubMed 22034289 (cited by Quest Diagnostics Nichols Institute San Juan Capistrano); PubMed 19491284 (cited by Quest Diagnostics Nichols Institute San Juan Capistrano and Ambry Genetics); PubMed 25556971 (cited by Quest Diagnostics Nichols Institute San Juan Capistrano); PubMed 24728327 (cited by 3 submitters); PubMed 18284688 (cited by Quest Diagnostics Nichols Institute San Juan Capistrano and Ambry Genetics); PubMed 24055113 (cited by Quest Diagnostics Nichols Institute San Juan Capistrano and Pathway Genomics); PubMed 26332594 (cited by Quest Diagnostics Nichols Institute San Juan Capistrano and Ambry Genetics); PubMed 25637381 (cited by Quest Diagnostics Nichols Institute San Juan Capistrano and Ambry Genetics); PubMed 23231788 (cited by Quest Diagnostics Nichols Institute San Juan Capistrano and Ambry Genetics); PubMed 15983021 (cited by Quest Diagnostics Nichols Institute San Juan Capistrano); PubMed 15744044 (cited by Quest Diagnostics Nichols Institute San Juan Capistrano); PubMed 12474142 (cited by 3 submitters); DOI 10.3389/fgene.2022.834265 (cited by National Health Laboratory Service, Universitas Academic Hospital and University of the Free State).